The following is an entry in ClinVar:

NM_000218.3(KCNQ1):c.1960dup (p.Leu654fs)

Genes: KCNQ1 (potassium voltage-gated channel subfamily Q member 1; plus strand), KCNQ1-AS1 (KCNQ1 antisense RNA 1; minus strand). Cytogenetic location: 11p15.4.
Variant type: Duplication.
Coding change: c.1960dup on transcript NM_000218.3 (MANE Select); coding-DNA position 1960, one base duplicated (C; older notation c.1960dupC).
Protein change: p.Leu654fs; shifts the reading frame from leucine 654.
Molecular consequence: frameshift variant.
Genome position (GRCh38, 1-based): chr11:2,847,932, C duplicated; the last of 2 consecutive C bases (chr11:2,847,931-2,847,932); duplicating either gives the same sequence. VCF-style (leftmost placement, unchanged base first): chr11-2847930-T-TC. GRCh37 (hg19) VCF-style: chr11-2869160-T-TC.
Other names: c.1864dup, p.Leu622fs (NM_001406836.1); c.1690dup, p.Leu564fs (NM_001406837.1); c.1420dup, p.Leu474fs (NM_001406838.1); c.472dup, p.Leu158fs (NM_001406839.1); c.1579dup, p.Leu527fs (NM_181798.2); short protein forms L158fs, L474fs, L527fs, L564fs, L622fs, L654fs.
Identifiers: ClinVar variation 3893997 (VCV003893997.1).

ClinVar aggregate classification (germline): Uncertain significance (1 of 4 stars; one submission).

Conditions:
Cardiac arrhythmia. Also called: Cardiac rhythm disease; Arrhythmia. Identifiers: MedGen C0003811, MONDO:0007263, HP:0011675.

Submission:

Color Diagnostics, LLC DBA Color Health
Classification: Uncertain significance for Cardiac arrhythmia. Last evaluated: 2024-07-26. Review status: criteria provided, single submitter. Criteria: ACMG Guidelines, 2015. Collection method: clinical testing. Allele origin: germline.
Comment: This variant inserts 1 nucleotide in the last exon of the KCNQ1 gene, creating a frameshift and premature translation stop signal. To our knowledge, functional studies have not been reported for this variant nor has it been reported in individuals affected with KCNQ1-related disorders in the literature. This variant has not been identified in the general population by the Genome Aggregation Database (gnomAD). Loss of KCNQ1 function is a known mechanism of disease. The available evidence is insufficient to determine the role of this variant in disease conclusively. Therefore, this variant is classified as a Variant of Uncertain Significance.